The following is an entry in ClinVar:

NM_005529.7(HSPG2):c.5857G>A (p.Gly1953Ser)

Gene: HSPG2 (heparan sulfate proteoglycan 2; minus strand). Cytogenetic location: 1p36.12.
Variant type: single nucleotide variant.
Coding change: c.5857G>A on transcript NM_005529.7 (MANE Select); coding-DNA position 5857, G replaced by A.
Protein change: p.Gly1953Ser; replaces glycine 1953 with serine.
Molecular consequence: missense variant.
Genome position (GRCh38, 1-based): chr1:21,855,444, C>T on the plus strand (G>A on the coding strand, the complement: HSPG2 is on the minus strand). VCF-style: chr1-21855444-C-T. GRCh37 (hg19) VCF-style: chr1-22181937-C-T.
Other names: c.5860G>A, p.Gly1954Ser (NM_001291860.2); short protein forms G1953S, G1954S.
Identifiers: ClinVar variation 2432605 (VCV002432605.4), dbSNP rs573835318, ClinGen allele CA671762.

ClinVar aggregate classification (germline): Uncertain significance. Review status: criteria provided, multiple submitters, no conflicts (2 of 4 stars). 2 submissions from 2 submitters: Uncertain significance (2). Last evaluated 2024-09-06.

Allele frequency attached by ClinVar (database versions not stated): TOPMed 0.00002; ExAC 0.00003; 1000 Genomes Project 30x 0.00016; 1000 Genomes Project 0.00020.
gnomAD v4.1: 13 of 1,613,176 alleles (0.00081%); highest among the groups gnomAD compares: Admixed American, 0.012%; no homozygotes.

Submissions (2):

Labcorp Genetics (formerly Invitae), Labcorp
Classification: Uncertain significance. Last evaluated: 2024-09-06. Review status: criteria provided, single submitter. Criteria: Invitae Variant Classification Sherloc (09022015). Collection method: clinical testing. Allele origin: germline.
Comment: This sequence change replaces glycine, which is neutral and non-polar, with serine, which is neutral and polar, at codon 1953 of the HSPG2 protein (p.Gly1953Ser). This variant is present in population databases (rs573835318, gnomAD 0.009%). This variant has not been reported in the literature in individuals affected with HSPG2-related conditions. ClinVar contains an entry for this variant (Variation ID: 2432605). An algorithm developed to predict the effect of missense changes on protein structure and function (PolyPhen-2) suggests that this variant¬†is likely to be tolerated. In summary, the available evidence is currently insufficient to determine the role of this variant in disease. Therefore, it has been classified as a Variant of Uncertain Significance.

Revvity Omics, Revvity
Classification: Uncertain significance. Last evaluated: 2019-03-08. Review status: criteria provided, single submitter. Criteria: ACMG Guidelines, 2015. Collection method: clinical testing. Allele origin: germline.